The following is an entry in ClinVar:

ClinVar aggregate classification (germline): Uncertain significance. Review status: criteria provided, multiple submitters, no conflicts (2 of 4 stars). 2 submissions from 2 submitters: Uncertain significance (2). Last evaluated 2023-10-06.

Conditions:
Inborn genetic diseases. Identifiers: MedGen C0950123, MeSH D030342.

gnomAD v4.1: 5 of 1,293,904 alleles (0.00039%); highest among the groups gnomAD compares: Non-Finnish European, 0.00049%; no homozygotes.

Submissions (2):

Labcorp Genetics (formerly Invitae), Labcorp
Classification: Uncertain significance. Last evaluated: 2023-10-06. Review status: criteria provided, single submitter. Criteria: Invitae Variant Classification Sherloc (09022015). Collection method: clinical testing. Allele origin: germline.
Comment: This sequence change replaces alanine, which is neutral and non-polar, with proline, which is neutral and non-polar, at codon 146 of the MNX1 protein (p.Ala146Pro). This variant is not present in population databases (gnomAD no frequency). This variant has not been reported in the literature in individuals affected with MNX1-related conditions. ClinVar contains an entry for this variant (Variation ID: 2389678). Experimental studies and prediction algorithms are not available or were not evaluated, and the functional significance of this variant is currently unknown. In summary, the available evidence is currently insufficient to determine the role of this variant in disease. Therefore, it has been classified as a Variant of Uncertain Significance.

Ambry Genetics
Classification: Uncertain significance for Inborn genetic diseases. Last evaluated: 2022-08-29. Review status: criteria provided, single submitter. Criteria: Ambry Variant Classification Scheme 2023. Collection method: clinical testing. Allele origin: germline.

NM_005515.4(MNX1):c.436G>C (p.Ala146Pro)

Genes: MNX1 (motor neuron and pancreas homeobox 1; minus strand), LOC129999736 (ATAC-STARR-seq lymphoblastoid silent region 18858; plus strand). Cytogenetic location: 7q36.3.
Variant type: single nucleotide variant.
Coding change: c.436G>C on transcript NM_005515.4 (MANE Select); coding-DNA position 436, G replaced by C.
Protein change: p.Ala146Pro; replaces alanine 146 with proline.
Molecular consequence: missense variant.
Genome position (GRCh38, 1-based): chr7:157,009,915, C>G on the plus strand (G>C on the coding strand, the complement: MNX1 is on the minus strand). VCF-style: chr7-157009915-C-G. GRCh37 (hg19) VCF-style: chr7-156802609-C-G.
Other names: short protein forms A146P.
Identifiers: ClinVar variation 2389678 (VCV002389678.5), dbSNP rs1241683440, ClinGen allele CA370164561.